The following is an entry in ClinVar:

NM_001379500.1(COL18A1):c.107-12577C>T

Gene: COL18A1 (collagen type XVIII alpha 1 chain; plus strand). Cytogenetic location: 21q22.3.
Variant type: single nucleotide variant.
Coding change: c.107-12577C>T on transcript NM_001379500.1 (MANE Select); 12577 bases into the intron before coding-DNA position 107, C replaced by T.
Molecular consequence: intron variant. On other transcripts: synonymous variant (2).
Genome position (GRCh38, 1-based): chr21:45,455,665, C>T. VCF-style: chr21-45455665-C-T. GRCh37 (hg19) VCF-style: chr21-46875579-C-T.
Other names: c.135C>T, p.Ile45= (NM_030582.4, NM_130444.3); c.135C>T (NM_030582.3).
Identifiers: ClinVar variation 1580512 (VCV001580512.9), dbSNP rs368696106, ClinGen allele CA10065394.

ClinVar aggregate classification (germline): Likely benign. Review status: criteria provided, multiple submitters, no conflicts (2 of 4 stars). 2 submissions from 2 submitters: Likely benign (2). Last evaluated 2025-11-25.

Conditions:
COL18A1-related disorder. Also called: COL18A1-related condition; COL18A1-related disorders.

Allele frequency attached by ClinVar (database versions not stated): gnomAD exomes 0.00002 and 0.00006; ExAC 0.00008; gnomAD 0.00014 and 0.00015; 1000 Genomes Project 30x 0.00016; TOPMed 0.00016; 1000 Genomes Project 0.00020; ESP Exome Variant Server 0.00024.
gnomAD v4.1: 53 of 1,613,842 alleles (0.0033%); highest among the groups gnomAD compares: African/African-American, 0.053%; no homozygotes.

Submissions (2):

Labcorp Genetics (formerly Invitae), Labcorp
Classification: Likely benign. Last evaluated: 2025-11-25. Review status: criteria provided, single submitter. Criteria: Invitae Variant Classification Sherloc (09022015). Collection method: clinical testing. Allele origin: germline.

PreventionGenetics, part of Exact Sciences
Classification: Likely benign for COL18A1-related condition. Last evaluated: 2024-11-07. Review status: criteria provided, single submitter. Criteria: ACMG Guidelines, 2015. Collection method: clinical testing. Allele origin: germline.
Comment: This variant is classified as likely benign based on ACMG/AMP sequence variant interpretation guidelines (Richards et al. 2015 PMID: 25741868, with internal and published modifications).